The following is an entry in ClinVar:

ClinVar aggregate classification (germline): Benign. Review status: criteria provided, multiple submitters, no conflicts (2 of 4 stars). 2 submissions from 2 submitters: Benign (2). Last evaluated 2024-12-14.

Allele frequency attached by ClinVar (database versions not stated): gnomAD exomes 0.00018 and 0.00049; ExAC 0.00067; 1000 Genomes Project 0.00140; 1000 Genomes Project 30x 0.00141; ESP Exome Variant Server 0.00177; gnomAD 0.00180 and 0.00192; TOPMed 0.00192.
gnomAD v4.1: 540 of 1,609,770 alleles (0.034%); highest among the groups gnomAD compares: African/African-American, 0.66%; 4 homozygotes.

Submissions (2):

Labcorp Genetics (formerly Invitae), Labcorp
Classification: Benign. Last evaluated: 2024-12-14. Review status: criteria provided, single submitter. Criteria: Invitae Variant Classification Sherloc (09022015). Collection method: clinical testing. Allele origin: germline.

GeneDx
Classification: Benign. Last evaluated: 2021-06-09. Review status: criteria provided, single submitter. Criteria: GeneDx Variant Classification Process June 2021. Collection method: clinical testing. Allele origin: germline. Affected: yes.
Comment: This variant is associated with the following publications: (PMID: 27535533)

NM_001267052.2(UNC45B):c.1140G>A (p.Glu380=)

Gene: UNC45B (unc-45 myosin chaperone B; plus strand). Cytogenetic location: 17q12.
Variant type: single nucleotide variant.
Coding change: c.1140G>A on transcript NM_001267052.2 (MANE Select); coding-DNA position 1140, G replaced by A.
Protein change: p.Glu380=; no amino-acid change (glutamic acid 380 retained).
Molecular consequence: synonymous variant.
Genome position (GRCh38, 1-based): chr17:35,164,155, G>A. VCF-style: chr17-35164155-G-A. GRCh37 (hg19) VCF-style: chr17-33491174-G-A.
Other names: c.1140G>A, p.Glu380= (NM_001033576.2, NM_001308281.1, NM_173167.3).
Identifiers: ClinVar variation 1246949 (VCV001246949.7), dbSNP rs143327878, ClinGen allele CA8501053.